The following is an entry in ClinVar:

NM_032043.3(BRIP1):c.2438G>A (p.Gly813Asp)

Gene: BRIP1 (BRCA1 interacting DNA helicase 1; minus strand). Cytogenetic location: 17q23.2.
Variant type: single nucleotide variant.
Coding change: c.2438G>A on transcript NM_032043.3 (MANE Select); coding-DNA position 2438, G replaced by A.
Protein change: p.Gly813Asp; replaces glycine 813 with aspartic acid.
Molecular consequence: missense variant.
Genome position (GRCh38, 1-based): chr17:61,716,005, C>T on the plus strand (G>A on the coding strand, the complement: BRIP1 is on the minus strand). VCF-style: chr17-61716005-C-T. GRCh37 (hg19) VCF-style: chr17-59793366-C-T.
Other names: short protein forms G813D.
Identifiers: ClinVar variation 2499372 (VCV002499372.2), dbSNP rs2144381449, ClinGen allele CA400479613.
Genomic context (GRCh38, chr17:61,716,005, plus strand): 5'-ACTTACCTACCAAGGGCCTGGTTTAAGGCCCTGTATGCTTGAATTTCATACCACTGACGG[C>T]CAGGTAGAAGACCTCTCAATTTTGAATGGTGGTCATTGTATTGTCGTTTTAGTTCAACCT-3'
Protein context (NP_114432.2, residues 803-823): HHSKLRGLLP[Gly813Asp]RQWYEIQAYR

ClinVar aggregate classification (germline): Uncertain significance. Review status: criteria provided, multiple submitters, no conflicts (2 of 4 stars). 2 submissions from 2 submitters: Uncertain significance (2). Last evaluated 2026-07-06.

Conditions:
Hereditary cancer-predisposing syndrome. Also called: Hereditary Cancer Syndrome; Hereditary neoplastic syndrome; Neoplastic Syndromes, Hereditary; Tumor predisposition. Identifiers: Orphanet 140162, MedGen C0027672, MeSH D009386, MONDO:0015356.

Submissions (2):

Ambry Genetics
Classification: Uncertain significance for Hereditary cancer-predisposing syndrome. Last evaluated: 2026-07-06. Review status: criteria provided, single submitter. Criteria: Ambry Variant Classification Scheme 2023. Collection method: clinical testing. Allele origin: germline.
Comment: The p.G813D variant (also known as c.2438G>A), located in coding exon 16 of the BRIP1 gene, results from a G to A substitution at nucleotide position 2438. The glycine at codon 813 is replaced by aspartic acid, an amino acid with similar properties. This amino acid position is conserved. In addition, this alteration is predicted to be deleterious by in silico analysis. Based on the available evidence, the clinical significance of this variant remains unclear.

GeneDx
Classification: Uncertain significance. Last evaluated: 2022-10-14. Review status: criteria provided, single submitter. Criteria: GeneDx Variant Classification Process June 2021. Collection method: clinical testing. Allele origin: germline. Affected: yes.
Comment: Not observed at significant frequency in large population cohorts (gnomAD); In silico analysis supports that this missense variant has a deleterious effect on protein structure/function; Has not been previously published as pathogenic or benign to our knowledge